The following is an entry in ClinVar:

NM_001458.5(FLNC):c.1199_1204del (p.Ile400_Tyr401del)

Gene: FLNC (filamin C; plus strand). Cytogenetic location: 7q32.1.
Variant type: Deletion.
Coding change: c.1199_1204del on transcript NM_001458.5 (MANE Select); coding-DNA positions 1199 to 1204, 6 bases deleted (TCTACA; older notation c.1199_1204delTCTACA).
Protein change: p.Ile400_Tyr401del.
Molecular consequence: inframe deletion. On other transcripts: inframe indel (1).
Genome position (GRCh38, 1-based): chr7:128,838,418-128,838,423, TCTACA deleted; deleting any 6 consecutive bases within chr7:128,838,415-128,838,423 gives the same sequence; the c. name uses the placement nearest the transcript's 3' end. VCF-style (leftmost placement, unchanged base first): chr7-128838414-GACATCT-G. GRCh37 (hg19) VCF-style: chr7-128478468-GACATCT-G.
Other names: c.1199_1204del, p.Ile400_Tyr401del (NM_001127487.2); c.1199_1204del6 (NM_001458.4).
Identifiers: ClinVar variation 2630959 (VCV002630959.1), dbSNP rs2536621325, ClinGen allele CA2695199636.

ClinVar aggregate classification (germline): Uncertain significance (1 of 4 stars; one submission).

Conditions:
FLNC-related disorder. Also called: FLNC-related condition; FLNC-related disorders.

Submission:

PreventionGenetics, part of Exact Sciences
Classification: Uncertain significance for FLNC-related condition. Last evaluated: 2023-09-13. Review status: criteria provided, single submitter. Criteria: ACMG Guidelines, 2015. Collection method: clinical testing. Allele origin: germline.
Comment: The FLNC c.1199_1204del6 variant is predicted to result in an in-frame deletion (p.Ile400_Tyr401del). To our knowledge, this variant has not been reported in the literature or in a large population database, indicating this variant is rare. At this time, the clinical significance of this variant is uncertain due to the absence of conclusive functional and genetic evidence.